The following is an entry in ClinVar:

NM_005228.5(EGFR):c.38C>T (p.Ala13Val)

Gene: EGFR (epidermal growth factor receptor; plus strand). Cytogenetic location: 7p11.2.
Variant type: single nucleotide variant.
Coding change: c.38C>T on transcript NM_005228.5 (MANE Select); coding-DNA position 38, C replaced by T.
Protein change: p.Ala13Val; replaces alanine 13 with valine.
Molecular consequence: missense variant.
Genome position (GRCh38, 1-based): chr7:55,019,315, C>T. VCF-style: chr7-55019315-C-T. GRCh37 (hg19) VCF-style: chr7-55087008-C-T.
Other names: c.38C>T, p.Ala13Val (NM_001346897.2, NM_001346898.2, NM_001346899.2 and 4 more transcripts); short protein forms A13V.
Identifiers: ClinVar variation 858191 (VCV000858191.12), dbSNP rs567894670, ClinGen allele CA4265108.

ClinVar aggregate classification (germline): Conflicting classifications of pathogenicity. Review status: criteria provided, conflicting classifications (1 of 4 stars). 4 submissions from 4 submitters: Uncertain significance (3); Likely benign (1). Last evaluated 2026-01-24.

Conditions:
Hereditary cancer-predisposing syndrome. Also called: Neoplastic Syndromes, Hereditary; Hereditary neoplastic syndrome; Tumor predisposition; Hereditary Cancer Syndrome. Identifiers: Orphanet 140162, MedGen C0027672, MeSH D009386, MONDO:0015356.
EGFR-related lung cancer (EGFR). Identifiers: MedGen CN130014.
Inflammatory skin and bowel disease, neonatal, 2 (NNCIS). Identifiers: Orphanet 294023, MedGen C4015130, MONDO:0014481, OMIM 616069.
Lung cancer. Also called: Lung cancer, somatic; Malignant tumor of lung. Identifiers: MedGen C0242379, MONDO:0008903, OMIM 211980.

Allele frequency attached by ClinVar (database versions not stated): ExAC 0.00010; TOPMed 0.00011; 1000 Genomes Project 30x 0.00094; gnomAD 0.00013 and 0.00006; gnomAD exomes 0.00005; 1000 Genomes Project 0.00080.
gnomAD v4.1: 41 of 1,522,070 alleles (0.0027%); highest among the groups gnomAD compares: Admixed American, 0.061%; 1 homozygote.

Submissions (4):

Labcorp Genetics (formerly Invitae), Labcorp
Classification: Uncertain significance for EGFR-related lung cancer. Last evaluated: 2026-01-24. Review status: criteria provided, single submitter. Criteria: Invitae Variant Classification Sherloc (09022015). Collection method: clinical testing. Allele origin: germline.
Comment: This sequence change replaces alanine, which is neutral and non-polar, with valine, which is neutral and non-polar, at codon 13 of the EGFR protein (p.Ala13Val). The frequency data for this variant in the population databases is considered unreliable, as metrics indicate poor data quality at this position in the gnomAD database. This variant has not been reported in the literature in individuals affected with EGFR-related conditions. ClinVar contains an entry for this variant (Variation ID: 858191). An algorithm developed to predict the effect of missense changes on protein structure and function outputs the following: PolyPhen-2: "Benign". The valine amino acid residue is found in multiple mammalian species, which suggests that this missense change does not adversely affect protein function. In summary, the available evidence is currently insufficient to determine the role of this variant in disease. Therefore, it has been classified as a Variant of Uncertain Significance.

Dasa
Classification: Uncertain significance. Last evaluated: 2025-03-12. Review status: criteria provided, single submitter. Criteria: DASA Assertion Criteria. Collection method: clinical testing. Allele origin: germline.
Comment: NM_005228.5(EGFR):c.38C>T (p.Ala13Val) is a missense variant that results in the substitution of alanine with valine. This variant is rare in population databases. Computational prediction algorithms are consistent with a benign effect. The currently available literature and clinical evidence are not sufficient to establish a definitive association between this variant and the reported condition. Therefore, this variant is classified as a variant of uncertain significance.

Ambry Genetics
Classification: Likely benign for Hereditary cancer-predisposing syndrome. Last evaluated: 2024-10-17. Review status: criteria provided, single submitter. Criteria: Ambry Variant Classification Scheme 2023. Collection method: clinical testing. Allele origin: germline.

Fulgent Genetics
Classification: Uncertain significance for Lung cancer; Inflammatory skin and bowel disease, neonatal, 2. Last evaluated: 2024-01-24. Review status: criteria provided, single submitter. Criteria: ACMG Guidelines, 2015. Collection method: clinical testing. Allele origin: germline.